The following is an entry in ClinVar:

NM_175914.5(HNF4A):c.981G>A (p.Trp327Ter)

Gene: HNF4A (hepatocyte nuclear factor 4 alpha; plus strand). Cytogenetic location: 20q13.12.
Variant type: single nucleotide variant.
Coding change: c.981G>A on transcript NM_175914.5 (MANE Select); coding-DNA position 981, G replaced by A.
Protein change: p.Trp327Ter; replaces tryptophan 327 with a stop codon.
Molecular consequence: nonsense.
Genome position (GRCh38, 1-based): chr20:44,424,172, G>A. VCF-style: chr20-44424172-G-A. GRCh37 (hg19) VCF-style: chr20-43052812-G-A.
Other names: NM_175914.5(HNF4A):c.981G>A; p.Trp327Ter; c.1047G>A, p.Trp349Ter (NM_000457.6, NM_178849.3, NM_178850.3); c.981G>A, p.Trp327Ter (NM_001030003.3, NM_001030004.3); c.1026G>A, p.Trp342Ter (NM_001258355.2); c.972G>A, p.Trp324Ter (NM_001287182.2, NM_001287183.2, NM_001287184.2); short protein forms W324*, W327*, W342*, W349*.
Identifiers: ClinVar variation 1700663 (VCV001700663.4), dbSNP rs2515714538, ClinGen allele CA409108460.
Genomic context (GRCh38, chr20:44,424,172, plus strand): 5'-CTCGCGTGGCCGCTTTGGAGAGCTGCTGCTGCTGCTGCCCACCTTGCAGAGCATCACCTG[G>A]CAGATGATCGAGCAGATCCAGTTCATCAAGCTCTTCGGCATGGCCAAGATTGACAACCTG-3'

ClinVar aggregate classification (germline): Pathogenic. Review status: reviewed by expert panel (3 of 4 stars). 3 submissions from 3 submitters: Pathogenic (1). 2 of the submissions do not count toward it. Last evaluated 2024-11-27.

Conditions:
Maturity-onset diabetes of the young (MODY). Also called: Maturity onset diabetes mellitus in young. Identifiers: Orphanet 552, MedGen C0342276, MONDO:0018911, HP:0004904.
Maturity-onset diabetes of the young type 3. Also called: MODY type 3; MODY, type III. Identifiers: Orphanet 552, MedGen C1838100, MeSH C563933, MONDO:0010894, OMIM 600496. Disease mechanism: loss of function.
Monogenic diabetes. Identifiers: Orphanet 183625, MedGen C3888631, MONDO:0015967.

Submissions (3):

ClinGen Monogenic Diabetes Variant Curation Expert Panel
Classification: Pathogenic for Monogenic diabetes. Last evaluated: 2024-11-27. Review status: reviewed by expert panel. Criteria: ClinGen Diabetes ACMG Specifications HNF4A V2.0.0. Collection method: curation. Allele origin: germline. Inheritance: Autosomal dominant inheritance.
Comment: The c.981G>A variant in the hepatocyte nuclear factor 4 alpha gene, HNF4A, results in a premature termination at codon 327 (p.(Trp327Ter)) of NM_175914.5. This variant is absent from gnomAD v2.1.1 (PM2_Supporting). This variant, located in biologically-relevant exon 8 of 10, is predicted to lead to nonsense mediated decay in a gene in which loss-of-function is an established disease mechanism (PVS1; PMID: 23348805). This individual did have a clinical history highly specific for HNF4A-monogenic diabetes (MODY probability calculator result >50%, negative genetic testing for HNF1A, and antibody negative and persistent C peptide) (PP4_Moderate; PMID:16731861; internal lab contributors). This variant segregated with diabetes with 2 informative meioses in a single family; however, this does not meet the thresholds for PP1 set by the ClinGen MDEP (PMID: 27236918, internal lab contributors). In summary, c.981G>A meets the criteria to be classified as Pathogenic for monogenic diabetes. ACMG/AMP criteria applied, as specified by the ClinGen MDEP VCEP (specification version 2.0.0, approved 10/11/2023): PVS1, PM2_Supporting, PP4_Moderate.

Geisinger Clinic, Geisinger Health System
Classification: Pathogenic for Maturity-onset diabetes of the young type 3. Last evaluated: 2022-08-02. Review status: criteria provided, single submitter. Criteria: ACMG Guidelines, 2015. Collection method: research. Allele origin: germline. Inheritance: Autosomal dominant inheritance. Affected: yes. Observed: 1 variant allele. Not counted in ClinVar's aggregate classification.
Comment: PVS1, PM2, PP4

Ambry Genetics
Classification: Pathogenic for Maturity-onset diabetes of the young. Last evaluated: 2021-01-14. Review status: criteria provided, single submitter. Criteria: Ambry Variant Classification Scheme 2023. Collection method: clinical testing. Allele origin: germline. Not counted in ClinVar's aggregate classification.
Comment: The p.W327* pathogenic mutation (also known as c.981G>A), located in coding exon 8 of the HNF4A gene, results from a G to A substitution at nucleotide position 981. This changes the amino acid from a tryptophan to a stop codon within coding exon 8. This alteration is expected to result in loss of function by premature protein truncation or nonsense-mediated mRNA decay. As such, this alteration is interpreted as a disease-causing mutation.

Literature cited by the submitters: PubMed 36257325 (cited by Geisinger Clinic, Geisinger Health System).